The following is an entry in ClinVar:

NM_015570.4(AUTS2):c.2636A>T (p.His879Leu)

Gene: AUTS2 (activator of transcription and developmental regulator AUTS2; plus strand). Cytogenetic location: 7q11.22.
Variant type: single nucleotide variant.
Coding change: c.2636A>T on transcript NM_015570.4 (MANE Select); coding-DNA position 2636, A replaced by T.
Protein change: p.His879Leu; replaces histidine 879 with leucine.
Molecular consequence: missense variant.
Genome position (GRCh38, 1-based): chr7:70,789,852, A>T. VCF-style: chr7-70789852-A-T. GRCh37 (hg19) VCF-style: chr7-70254838-A-T.
Other names: c.2564A>T, p.His855Leu (NM_001127231.3); short protein forms H879L, H855L.
Identifiers: ClinVar variation 381676 (VCV000381676.6), dbSNP rs201559855, ClinGen allele CA4281137.

ClinVar aggregate classification (germline): Conflicting classifications of pathogenicity. Review status: criteria provided, conflicting classifications (1 of 4 stars). 3 submissions from 3 submitters: Uncertain significance (2); Likely benign (1). Last evaluated 2025-04-28.

Allele frequency attached by ClinVar (database versions not stated): ExAC 0.00003; gnomAD exomes 0.00005 and 0.00002; gnomAD 0.00001; TOPMed 0.00001.
gnomAD v4.1: 33 of 1,614,040 alleles (0.002%); highest among the groups gnomAD compares: Non-Finnish European, 0.00042%; no homozygotes.

Submissions (3):

Women's Health and Genetics/Laboratory Corporation of America, LabCorp
Classification: Uncertain significance. Last evaluated: 2025-04-28. Review status: criteria provided, single submitter. Criteria: LabCorp Variant Classification Summary - May 2015. Collection method: clinical testing. Allele origin: germline.
Comment: Variant summary: AUTS2 c.2636A>T (p.His879Leu) results in a non-conservative amino acid change in the encoded protein sequence. Three of five in-silico tools predict a damaging effect of the variant on protein function. The variant allele was found at a frequency of 4.8e-05 in 251406 control chromosomes (gnomAD). This frequency is not significantly higher than estimated for a pathogenic variant in AUTS2 causing Autism Spectrum Disorder Due To AUTS2 Deficiency, allowing no conclusion about variant significance. To our knowledge, no occurrence of c.2636A>T in individuals affected with Autism Spectrum Disorder Due To AUTS2 Deficiency and no experimental evidence demonstrating its impact on protein function have been reported. ClinVar contains an entry for this variant (Variation ID: 381676). Based on the evidence outlined above, the variant was classified as uncertain significance.

Labcorp Genetics (formerly Invitae), Labcorp
Classification: Likely benign. Last evaluated: 2024-03-18. Review status: criteria provided, single submitter. Criteria: Invitae Variant Classification Sherloc (09022015). Collection method: clinical testing. Allele origin: germline.

GeneDx
Classification: Uncertain significance. Last evaluated: 2015-11-05. Review status: criteria provided, single submitter. Criteria: GeneDx Variant Classification (06012015). Collection method: clinical testing. Allele origin: germline. Affected: yes.
Comment: The H879L variant in the AUTS2 gene has not been reported previously as a pathogenic variant, nor as a benign variant, to our knowledge. The H879L variant was not observed in approximately 6,500 individuals of European and African American ancestry in the NHLBI Exome Sequencing Project, indicating it is not a common benign variant in these populations. The H879L variant is a non-conservative amino acid substitution, which is likely to impact secondary protein structure as these residues differ in polarity, charge, size and/or other properties. This substitution occurs at a position that is conserved in mammals. In silico analysis is inconsistent in its predictions as to whether or not the variant is damaging to the protein structure/function. We interpret H879L as a variant of uncertain significance.